The following is an entry in ClinVar:

NM_000492.4(CFTR):c.2773A>G (p.Thr925Ala)

Gene: CFTR (CF transmembrane conductance regulator; plus strand). Cytogenetic location: 7q31.2.
Variant type: single nucleotide variant.
Coding change: c.2773A>G on transcript NM_000492.4 (MANE Select); coding-DNA position 2773, A replaced by G.
Protein change: p.Thr925Ala; replaces threonine 925 with alanine.
Molecular consequence: missense variant.
Genome position (GRCh38, 1-based): chr7:117,603,647, A>G. VCF-style: chr7-117603647-A-G. GRCh37 (hg19) VCF-style: chr7-117243701-A-G.
Other names: short protein forms T925A.
Identifiers: ClinVar variation 1163872 (VCV001163872.8), dbSNP rs1423162478, ClinGen allele CA368986746.
Genomic context (GRCh38, chr7:117,603,647, plus strand): 5'-GTGATTATCACCAGCACCAGTTCGTATTATGTGTTTTACATTTACGTGGGAGTAGCCGAC[A>G]CTTTGCTTGCTATGGGATTCTTCAGAGGTCTACCACTGGTGCATACTCTAATCACAGTGT-3'
Protein context (NP_000483.3, residues 915-935): VFYIYVGVAD[Thr925Ala]LLAMGFFRGL

ClinVar aggregate classification (germline): Uncertain significance. Review status: criteria provided, multiple submitters, no conflicts (2 of 4 stars). 3 submissions from 3 submitters: Uncertain significance (3). Last evaluated 2024-03-11.

Conditions:
Cystic fibrosis (CF). Also called: MUCOVISCIDOSIS. Identifiers: Orphanet 586, MedGen C0010674, MONDO:0009061, OMIM 219700. Disease mechanism: loss of function.

Allele frequency attached by ClinVar (database versions not stated): gnomAD exomes 0.00001; TOPMed 0.00002.
gnomAD v4.1: 6 of 1,614,122 alleles (0.00037%); highest among the groups gnomAD compares: Non-Finnish European, 0.00051%; no homozygotes.

Submissions (3):

Ambry Genetics
Classification: Uncertain significance for Cystic fibrosis. Last evaluated: 2024-03-11. Review status: criteria provided, single submitter. Criteria: Ambry Variant Classification Scheme 2023. Collection method: clinical testing. Allele origin: germline.
Comment: The p.T925A variant (also known as c.2773A>G), located in coding exon 17 of the CFTR gene, results from an A to G substitution at nucleotide position 2773. The threonine at codon 925 is replaced by alanine, an amino acid with similar properties. This amino acid position is highly conserved through mammals but not in all available vertebrate species. In addition, the in silico prediction for this alteration is inconclusive. Since supporting evidence is limited at this time, the clinical significance of this alteration remains unclear.

Labcorp Genetics (formerly Invitae), Labcorp
Classification: Uncertain significance for Cystic fibrosis. Last evaluated: 2022-01-02. Review status: criteria provided, single submitter. Criteria: Invitae Variant Classification Sherloc (09022015). Collection method: clinical testing. Allele origin: germline.
Comment: This sequence change replaces threonine, which is neutral and polar, with alanine, which is neutral and non-polar, at codon 925 of the CFTR protein (p.Thr925Ala). This variant is not present in population databases (gnomAD no frequency). This variant has not been reported in the literature in individuals affected with CFTR-related conditions. ClinVar contains an entry for this variant (Variation ID: 1163872). Algorithms developed to predict the effect of missense changes on protein structure and function (SIFT, PolyPhen-2, Align-GVGD) all suggest that this variant is likely to be tolerated. In summary, the available evidence is currently insufficient to determine the role of this variant in disease. Therefore, it has been classified as a Variant of Uncertain Significance.

Mayo Clinic Laboratories, Mayo Clinic
Classification: Uncertain significance. Last evaluated: 2020-01-20. Review status: criteria provided, single submitter. Criteria: ACMG Guidelines, 2015. Collection method: clinical testing. Allele origin: germline. Observed: 1 variant allele.